The following is an entry in ClinVar:

NM_001195263.2(PDZD7):c.1132_1134del (p.Gly378del)

Gene: PDZD7 (PDZ domain containing 7; minus strand). Cytogenetic location: 10q24.31.
Variant type: Deletion.
Coding change: c.1132_1134del on transcript NM_001195263.2 (MANE Select); coding-DNA positions 1132 to 1134, 3 bases deleted (GGC; older notation c.1132_1134delGGC).
Protein change: p.Gly378del; deletes glycine 378.
Molecular consequence: inframe deletion.
Genome position (GRCh38, 1-based): chr10:101,019,012-101,019,014, GCC deleted on the plus strand (GGC on the coding strand, the reverse complement: PDZD7 is on the minus strand). VCF-style (leftmost placement, unchanged base first): chr10-101019011-GGCC-G. GRCh37 (hg19) VCF-style: chr10-102778768-GGCC-G.
Other names: c.1132_1134del, p.Gly378del (NM_001351044.2, NM_024895.5); short protein forms G378del.
Identifiers: ClinVar variation 1522403 (VCV001522403.6), dbSNP rs2134058168, ClinGen allele CA2573145525.

ClinVar aggregate classification (germline): Uncertain significance (1 of 4 stars; one submission).

Allele frequency attached by ClinVar (database versions not stated): gnomAD exomes below 0.00001.

Submission:

Labcorp Genetics (formerly Invitae), Labcorp
Classification: Uncertain significance. Last evaluated: 2022-11-08. Review status: criteria provided, single submitter. Criteria: Invitae Variant Classification Sherloc (09022015). Collection method: clinical testing. Allele origin: germline.
Comment: Experimental studies and prediction algorithms are not available or were not evaluated, and the functional significance of this variant is currently unknown. In summary, the available evidence is currently insufficient to determine the role of this variant in disease. Therefore, it has been classified as a Variant of Uncertain Significance. ClinVar contains an entry for this variant (Variation ID: 1522403). This variant has not been reported in the literature in individuals affected with PDZD7-related conditions. This variant is not present in population databases (gnomAD no frequency). This variant, c.1132_1134del, results in the deletion of 1 amino acid(s) of the PDZD7 protein (p.Gly378del), but otherwise preserves the integrity of the reading frame.